The following is an entry in ClinVar:

NM_000179.3(MSH6):c.2294G>C (p.Cys765Ser)

Gene: MSH6 (mutS homolog 6; plus strand). Cytogenetic location: 2p16.3.
Variant type: single nucleotide variant.
Coding change: c.2294G>C on transcript NM_000179.3 (MANE Select); coding-DNA position 2294, G replaced by C.
Protein change: p.Cys765Ser; replaces cysteine 765 with serine.
Molecular consequence: missense variant.
Genome position (GRCh38, 1-based): chr2:47,800,277, G>C. VCF-style: chr2-47800277-G-C. GRCh37 (hg19) VCF-style: chr2-48027416-G-C.
Other names: c.1904G>C, p.Cys635Ser (NM_001281492.2); c.1388G>C, p.Cys463Ser (NM_001281493.2, NM_001281494.2); short protein forms C765S, C463S, C635S.
Identifiers: ClinVar variation 455186 (VCV000455186.36), dbSNP rs1553413671, ClinGen allele CA346752975.

ClinVar aggregate classification (germline): Uncertain significance. Review status: criteria provided, multiple submitters, no conflicts (2 of 4 stars). 5 submissions from 5 submitters: Uncertain significance (5). Last evaluated 2025-11-18.

Conditions:
Hereditary nonpolyposis colorectal neoplasms. Identifiers: MedGen C0009405, MeSH D003123.
Hereditary cancer-predisposing syndrome. Also called: Hereditary Cancer Syndrome; Hereditary neoplastic syndrome; Neoplastic Syndromes, Hereditary; Tumor predisposition. Identifiers: Orphanet 140162, MedGen C0027672, MeSH D009386, MONDO:0015356.
Lynch syndrome. Identifiers: Orphanet 144, MedGen C4552100, MONDO:0005835. Disease mechanism: loss of function.

Allele frequency attached by ClinVar (database versions not stated): gnomAD exomes below 0.00001; TOPMed below 0.00001.
gnomAD v4.1: 1 of 1,614,110 alleles (0.000062%); highest among the groups gnomAD compares: Non-Finnish European, 0.000085%; no homozygotes.

Submissions (5):

Labcorp Genetics (formerly Invitae), Labcorp
Classification: Uncertain significance for Hereditary nonpolyposis colorectal neoplasms. Last evaluated: 2025-11-18. Review status: criteria provided, single submitter. Criteria: Invitae Variant Classification Sherloc (09022015). Collection method: clinical testing. Allele origin: germline.
Comment: This sequence change replaces cysteine, which is neutral and slightly polar, with serine, which is neutral and polar, at codon 765 of the MSH6 protein (p.Cys765Ser). This variant is not present in population databases (gnomAD no frequency). This variant has not been reported in the literature in individuals affected with MSH6-related conditions. ClinVar contains an entry for this variant (Variation ID: 455186). Invitae Evidence Modeling of protein sequence and biophysical properties (such as structural, functional, and spatial information, amino acid conservation, physicochemical variation, residue mobility, and thermodynamic stability) has been performed for this missense variant. However, the output from this modeling did not meet the statistical confidence thresholds required to predict the impact of this variant on MSH6 protein function. In summary, the available evidence is currently insufficient to determine the role of this variant in disease. Therefore, it has been classified as a Variant of Uncertain Significance.

Ambry Genetics
Classification: Uncertain significance for Hereditary cancer-predisposing syndrome. Last evaluated: 2024-12-17. Review status: criteria provided, single submitter. Criteria: Ambry Variant Classification Scheme 2023. Collection method: clinical testing. Allele origin: germline.
Comment: The p.C765S variant (also known as c.2294G>C), located in coding exon 4 of the MSH6 gene, results from a G to C substitution at nucleotide position 2294. The cysteine at codon 765 is replaced by serine, an amino acid with dissimilar properties. This amino acid position is highly conserved in available vertebrate species. In addition, this alteration is predicted to be deleterious by in silico analysis. Based on the available evidence, the clinical significance of this variant remains unclear.

All of Us Research Program, National Institutes of Health
Classification: Uncertain significance for Lynch syndrome. Last evaluated: 2023-10-06. Review status: criteria provided, single submitter. Criteria: ACMG Guidelines, 2015. Collection method: clinical testing. Allele origin: germline. Inheritance: Autosomal dominant inheritance. Observed: 1 variant allele, 1 heterozygote.
Comment: This missense variant replaces cysteine with serine at codon 765 of the MSH6 protein. Computational prediction suggests that this variant may have deleterious impact on protein structure and function (internally defined REVEL score threshold >= 0.7, PMID: 27666373). To our knowledge, functional studies have not been reported for this variant. This variant has not been reported in individuals affected with MSH6-related disorders in the literature. This variant has not been identified in the general population by the Genome Aggregation Database (gnomAD). The available evidence is insufficient to determine the role of this variant in disease conclusively. Therefore, this variant is classified as a Variant of Uncertain Significance.

This study involves interpretation of variants in research participants for the purpose of population health screening. Participant phenotype was not available at the time of variant classification. Additional details can be found in publication PMID: 35346344, PMCID: PMC8962531

Color Diagnostics, LLC DBA Color Health
Classification: Uncertain significance for Hereditary cancer-predisposing syndrome. Last evaluated: 2023-09-27. Review status: criteria provided, single submitter. Criteria: ACMG Guidelines, 2015. Collection method: clinical testing. Allele origin: germline.
Comment: This missense variant replaces cysteine with serine at codon 765 of the MSH6 protein. Computational prediction suggests that this variant may have deleterious impact on protein structure and function. To our knowledge, functional studies have not been reported for this variant. This variant has not been reported in individuals affected with MSH6-related disorders in the literature. This variant has not been identified in the general population by the Genome Aggregation Database (gnomAD). The available evidence is insufficient to determine the role of this variant in disease conclusively. Therefore, this variant is classified as a Variant of Uncertain Significance.

Institute for Clinical Genetics, University Hospital TU Dresden, University Hospital TU Dresden
Classification: Uncertain significance. Last evaluated: 2021-11-03. Review status: criteria provided, single submitter. Criteria: ACMG Guidelines, 2015. Collection method: clinical testing. Allele origin: germline.